The following is an entry in ClinVar:

ClinVar aggregate classification (germline): Benign (1 of 4 stars; one submission).

Allele frequency attached by ClinVar (database versions not stated): ESP Exome Variant Server 0.26073; gnomAD exomes 0.27103; ExAC 0.30178; gnomAD 0.31037; TOPMed 0.31730; 1000 Genomes Project 30x 0.33229; 1000 Genomes Project 0.33327.
gnomAD v4.1: 422,263 of 1,535,356 alleles (28%); highest among the groups gnomAD compares: African/African-American, 40%; 58,891 homozygotes.

Submission:

Unidad de Genómica Garrahan, Hospital de Pediatría Garrahan
Classification: Benign. Last evaluated: 2024-01-24. Review status: criteria provided, single submitter. Criteria: ACMG Guidelines, 2015. Collection method: clinical testing. Allele origin: germline. Affected: no. Observed: 41 variant alleles.
Comment: This variant is classified as Benign based on local population frequency. This variant was detected in 43% of patients studied by a panel of primary immunodeficiencies. Number of patients: 41. Only high quality variants are reported.

NM_001330700.2(TOP2B):c.1563+25G>A

Gene: TOP2B (DNA topoisomerase II beta; minus strand). Cytogenetic location: 3p24.2.
Variant type: single nucleotide variant.
Coding change: c.1563+25G>A on transcript NM_001330700.2 (MANE Select); 25 bases into the intron after coding-DNA position 1563, G replaced by A.
Molecular consequence: intron variant.
Genome position (GRCh38, 1-based): chr3:25,630,287, C>T on the plus strand (G>A on the coding strand, the complement: TOP2B is on the minus strand). VCF-style: chr3-25630287-C-T. GRCh37 (hg19) VCF-style: chr3-25671778-C-T.
Other names: c.1548+25G>A (NM_001068.3).
Identifiers: ClinVar variation 2688168 (VCV002688168.2), dbSNP rs3736605, ClinGen allele CA2288668.